The following is an entry in ClinVar:

ClinVar aggregate classification (germline): Conflicting classifications of pathogenicity. Review status: criteria provided, conflicting classifications (1 of 4 stars). 2 submissions from 2 submitters: Pathogenic (1); Uncertain significance (1). Last evaluated 2022-11-24.

Conditions:
Cerebral arteriopathy with subcortical infarcts and leukoencephalopathy. Also called: Cerebral autosomal dominant arteriopathy with subcortical infarcts and leukoencephalopathy. Identifiers: MedGen C0751587, MONDO:0007432.

gnomAD v4.1: 1 of 1,550,016 alleles (0.000065%); no homozygotes.

Submissions (2):

Labcorp Genetics (formerly Invitae), Labcorp
Classification: Uncertain significance. Last evaluated: 2022-11-24. Review status: criteria provided, single submitter. Criteria: Invitae Variant Classification Sherloc (09022015). Collection method: clinical testing. Allele origin: germline.
Comment: In summary, the available evidence is currently insufficient to determine the role of this variant in disease. Therefore, it has been classified as a Variant of Uncertain Significance. Advanced modeling of protein sequence and biophysical properties (such as structural, functional, and spatial information, amino acid conservation, physicochemical variation, residue mobility, and thermodynamic stability) performed at Invitae indicates that this missense variant is expected to disrupt NOTCH3 protein function. This missense change has been observed in individual(s) with clinical suspicion of CADASIL (PMID: 34074565). This variant is present in population databases (no rsID available, gnomAD 0.01%). This sequence change replaces cysteine, which is neutral and slightly polar, with tryptophan, which is neutral and slightly polar, at codon 522 of the NOTCH3 protein (p.Cys522Trp).

Athena Diagnostics
Classification: Pathogenic. Last evaluated: 2022-08-04. Review status: criteria provided, single submitter. Criteria: Athena Diagnostics Criteria. Collection method: clinical testing. Allele origin: unknown.
Comment: The frequency of this variant in the general population is consistent with pathogenicity. This variant has been identified in at least one individual tested at Athena Diagnostics with clinical features associated with this gene. This variant alters a critical location within the protein, and is expected to severely affect function and cause disease. Greater than 90% of pathogenic variants identified in NOTCH3 involve the gain or loss of a cysteine residue within the epidermal growth factor (EGF)-like repeat domain.

Literature cited by the submitters: PubMed 34074565 (cited by Labcorp Genetics (formerly Invitae), Labcorp).

NM_000435.3(NOTCH3):c.1566C>G (p.Cys522Trp)

Gene: NOTCH3 (notch receptor 3; minus strand). Cytogenetic location: 19p13.12.
Variant type: single nucleotide variant.
Coding change: c.1566C>G on transcript NM_000435.3 (MANE Select); coding-DNA position 1566, C replaced by G.
Protein change: p.Cys522Trp; replaces cysteine 522 with tryptophan.
Molecular consequence: missense variant.
Genome position (GRCh38, 1-based): chr19:15,187,921, G>C on the plus strand (C>G on the coding strand, the complement: NOTCH3 is on the minus strand). VCF-style: chr19-15187921-G-C. GRCh37 (hg19) VCF-style: chr19-15298732-G-C.
Other names: short protein forms C522W.
Identifiers: ClinVar variation 1807397 (VCV001807397.5), dbSNP rs1193624610, ClinGen allele CA404526380.